The following is an entry in ClinVar:

NM_001198950.3(MYO16):c.4410C>T (p.Gly1470=)

Gene: MYO16 (myosin XVI; plus strand). Cytogenetic location: 13q33.3.
Variant type: single nucleotide variant.
Coding change: c.4410C>T on transcript NM_001198950.3 (MANE Select); coding-DNA position 4410, C replaced by T.
Protein change: p.Gly1470=; no amino-acid change (glycine 1470 retained).
Molecular consequence: synonymous variant.
Genome position (GRCh38, 1-based): chr13:109,140,622, C>T. VCF-style: chr13-109140622-C-T. GRCh37 (hg19) VCF-style: chr13-109792970-C-T.
Other names: c.4344C>T, p.Gly1448= (NM_015011.3).
Identifiers: ClinVar variation 3059150 (VCV003059150.2), dbSNP rs375111602, ClinGen allele CA7045695.

ClinVar aggregate classification (germline): Benign (0 of 4 stars; one submission).

Conditions:
MYO16-related disorder. Also called: MYO16-related condition.

Allele frequency attached by ClinVar (database versions not stated): ESP Exome Variant Server 0.00152; 1000 Genomes Project 0.00379; gnomAD 0.00432; 1000 Genomes Project 30x 0.00531; TOPMed 0.00672; ExAC 0.01210.
gnomAD v4.1: 7,093 of 1,516,104 alleles (0.47%); highest among the groups gnomAD compares: Admixed American, 4.4%; 101 homozygotes.

Submission:

PreventionGenetics, part of Exact Sciences
Classification: Benign for MYO16-related condition. Last evaluated: 2019-10-18. Review status: no assertion criteria provided. Collection method: clinical testing. Allele origin: germline.
Comment: This variant is classified as benign based on ACMG/AMP sequence variant interpretation guidelines (Richards et al. 2015 PMID: 25741868, with internal and published modifications).